The following is an entry in ClinVar:

ClinVar aggregate classification (germline): Uncertain significance (1 of 4 stars; one submission).

gnomAD v4.1: 20 of 1,613,718 alleles (0.0012%); highest among the groups gnomAD compares: African/African-American, 0.004%; no homozygotes.

Submission:

CeGaT Center for Human Genetics Tuebingen
Classification: Uncertain significance. Last evaluated: 2026-06-01. Review status: criteria provided, single submitter. Criteria: CeGaT Center For Human Genetics Tuebingen Variant Classification Criteria Version 2. Collection method: clinical testing. Allele origin: germline. Affected: yes. Observed: 1 variant allele.
Comment: TTN: PM2

NM_001267550.2(TTN):c.101873T>C (p.Ile33958Thr)

Genes: TTN (titin; minus strand), TTN-AS1 (TTN antisense RNA 1; plus strand). Cytogenetic location: 2q31.2.
Variant type: single nucleotide variant.
Coding change: c.101873T>C on transcript NM_001267550.2 (MANE Select); coding-DNA position 101873, T replaced by C.
Protein change: p.Ile33958Thr; replaces isoleucine 33958 with threonine.
Molecular consequence: missense variant.
Genome position (GRCh38, 1-based): chr2:178,534,742, A>G on the plus strand (T>C on the coding strand, the complement: TTN is on the minus strand). VCF-style: chr2-178534742-A-G. GRCh37 (hg19) VCF-style: chr2-179399469-A-G.
Other names: c.96950T>C, p.Ile32317Thr (NM_001256850.1); c.74678T>C, p.Ile24893Thr (NM_003319.4); c.94169T>C, p.Ile31390Thr (NM_133378.4); c.75053T>C, p.Ile25018Thr (NM_133432.3); c.75254T>C, p.Ile25085Thr (NM_133437.4); short protein forms I24893T, I25018T, I25085T, I31390T, I32317T, I33958T.
Identifiers: ClinVar variation 4872177 (VCV004872177.2).